The following is an entry in ClinVar:

ClinVar aggregate classification (germline): Benign (1 of 4 stars; one submission).

Conditions:
Lynch syndrome 5 (LYNCH5). Also called: Colorectal cancer, hereditary nonpolyposis, type 5; Hereditary non-polyposis colorectal cancer, type 5. Identifiers: Orphanet 144, MedGen C1833477, MONDO:0013710, OMIM 614350. Disease mechanism: loss of function.

Submission:

Myriad Genetics, Inc.
Classification: Benign for Lynch syndrome 5. Last evaluated: 2025-01-08. Review status: criteria provided, single submitter. Criteria: Myriad Autosomal Dominant, Autosomal Recessive and X-Linked Classification Criteria (2023). Collection method: clinical testing. Allele origin: unknown.
Comment: This variant is considered benign. This variant is intronic and is not expected to impact mRNA splicing.

NM_000179.3(MSH6):c.3802-28_3802-2dup

Gene: MSH6 (mutS homolog 6; plus strand). Cytogenetic location: 2p16.3.
Variant type: Duplication.
Coding change: c.3802-28_3802-2dup on transcript NM_000179.3 (MANE Select); 28 bases into the intron before coding-DNA position 3802 through the canonical splice acceptor site of the intron before coding-DNA position 3802, 27 bases duplicated (TGTATCGCTAATATTTTTCTTTCTTAA).
Molecular consequence: splice acceptor variant. On other transcripts: intron variant (2).
Genome position (GRCh38, 1-based): chr2:47,806,424-47,806,450, TGTATCGCTAATATTTTTCTTTCTTAA duplicated; duplicating any 27 consecutive bases within chr2:47,806,423-47,806,450 gives the same sequence; the c. name uses the placement nearest the transcript's 3' end. VCF-style (leftmost placement, unchanged base first): chr2-47806422-C-CATGTATCGCTAATATTTTTCTTTCTTA. GRCh37 (hg19) VCF-style: chr2-48033561-C-CATGTATCGCTAATATTTTTCTTTCTTA.
Other names: c.3802-28_3802-2dup (NM_001406809.1, NM_001406796.1, NM_001406808.1); c.2896-28_2896-2dup (NM_001406811.1, NM_001406814.1, NM_001281493.2 and 6 more transcripts); c.3505-28_3505-2dup (NM_001406805.1, NM_001406797.1, NM_001406801.1 and 10 more transcripts); c.3898-28_3898-2dup (NM_001406795.1); c.3897+66_3897+92dup (NM_001406802.1); c.3808-28_3808-2dup (NM_001406813.1); c.3277-28_3277-2dup (NM_001406807.1, NM_001406799.1, NM_001406806.1); c.3802-41_3802-15dup (NM_001406800.1); and 9 more.
Identifiers: ClinVar variation 3903979 (VCV003903979.1).